The following is an entry in ClinVar:

NM_001267550.2(TTN):c.13130T>C (p.Leu4377Pro)

Gene: TTN (titin; minus strand). Cytogenetic location: 2q31.2.
Variant type: single nucleotide variant.
Coding change: c.13130T>C on transcript NM_001267550.2 (MANE Select); coding-DNA position 13130, T replaced by C.
Protein change: p.Leu4377Pro; replaces leucine 4377 with proline.
Molecular consequence: missense variant. On other transcripts: intron variant (1).
Genome position (GRCh38, 1-based): chr2:178,740,103, A>G on the plus strand (T>C on the coding strand, the complement: TTN is on the minus strand). VCF-style: chr2-178740103-A-G. GRCh37 (hg19) VCF-style: chr2-179604830-A-G.
Other names: c.12179T>C, p.Leu4060Pro (NM_001256850.1); c.12041T>C, p.Leu4014Pro (NM_003319.4); c.12416T>C, p.Leu4139Pro (NM_133432.3); c.12617T>C, p.Leu4206Pro (NM_133437.4); c.10361-1743T>C (NM_133378.4); short protein forms L4014P, L4377P, L4206P, L4139P, L4060P.
Identifiers: ClinVar variation 519039 (VCV000519039.7), dbSNP rs774398710, ClinGen allele CA2002619.
Genomic context (GRCh38, chr2:178,740,103, plus strand): 5'-ATTTTCAGGTTTAATCTCTGCTCTTCTGGAATACCAGAAAGCAAGCTTTCCTTAGAAAGA[A>G]GGTCCCTTCCCTGTACCTCCTGCACTTTCTTTATTGCCACGGGCTCTCTTTTAGACTCAA-3'
Protein context (NP_001254479.2, residues 4367-4387): KKVQEVQGRD[Leu4377Pro]LSKESLLSGI

ClinVar aggregate classification (germline): Likely benign. Review status: criteria provided, multiple submitters, no conflicts (2 of 4 stars). 2 submissions from 2 submitters: Likely benign (2). Last evaluated 2026-04-16.

Conditions:
Cardiovascular phenotype. Identifiers: MedGen CN230736.

Allele frequency attached by ClinVar (database versions not stated): gnomAD exomes below 0.00001 and 0.00001; TOPMed below 0.00001; ExAC 0.00001.
gnomAD v4.1: 5 of 1,613,816 alleles (0.00031%); highest among the groups gnomAD compares: East Asian, 0.0045%; no homozygotes.

Submissions (2):

Ambry Genetics
Classification: Likely benign for Cardiovascular phenotype. Last evaluated: 2026-04-16. Review status: criteria provided, single submitter. Criteria: Ambry Variant Classification Scheme 2023. Collection method: clinical testing. Allele origin: germline.

Molecular Diagnostic Laboratory for Inherited Cardiovascular Disease, Montreal Heart Institute
Classification: Likely benign. Last evaluated: 2025-04-09. Review status: criteria provided, single submitter. Criteria: ACMG Guidelines, 2015. Collection method: clinical testing. Allele origin: germline. Affected: no.
Comment: BP1